The following is an entry in ClinVar:

ClinVar aggregate classification (germline): Likely pathogenic (1 of 4 stars; one submission).

Conditions:
Blepharophimosis-impaired intellectual development syndrome. Identifiers: Orphanet 637013, MedGen C5443984, MONDO:0859139, OMIM 619293.

Submission:

Victorian Clinical Genetics Services, Murdoch Childrens Research Institute
Classification: Likely pathogenic for Blepharophimosis-impaired intellectual development syndrome. Last evaluated: 2022-02-02. Review status: criteria provided, single submitter. Criteria: ACMG Guidelines, 2015. Collection method: clinical testing. Allele origin: germline. Inheritance: Autosomal dominant inheritance. Affected: yes.
Comment: Based on the classification scheme VCGS_Germline_v1.3.4, this variant is classified as Likely pathogenic. Following criteria are met: 0105 - The mechanism of disease for this gene is not clearly established. (I) 0107 - This gene is associated with autosomal dominant disease. (I) 0200 - Variant is predicted to result in a missense amino acid change from glutamine to arginine. (I) 0251 - This variant is heterozygous. (I) 0301 - Variant is absent from gnomAD (both v2 and v3). (SP) 0502 - Missense variant with conflicting in silico predictions and high conservation. (I) 0603 - Missense variant in a region that is highly intolerant to missense variation (high constraint region in DECIPHER). (SP) 0705 - No comparable missense variants have previous evidence for pathogenicity. (I) 0807 - This variant has no previous evidence of pathogenicity. (I) 0905 - No published segregation evidence has been identified for this variant. (I) 1007 - No published functional evidence has been identified for this variant. (SP) Legend: (SP) - Supporting pathogenic, (I) - Information, (SB) - Supporting benign

NM_003070.5(SMARCA2):c.2870A>G (p.Gln957Arg)

Gene: SMARCA2 (SWI/SNF related BAF chromatin remodeling complex subunit ATPase 2; plus strand). Cytogenetic location: 9p24.3.
Variant type: single nucleotide variant.
Coding change: c.2870A>G on transcript NM_003070.5 (MANE Select); coding-DNA position 2870, A replaced by G.
Protein change: p.Gln957Arg; replaces glutamine 957 with arginine.
Molecular consequence: missense variant.
Genome position (GRCh38, 1-based): chr9:2,088,600, A>G. VCF-style: chr9-2088600-A-G. GRCh37 (hg19) VCF-style: chr9-2088600-A-G.
Other names: c.2870A>G, p.Gln957Arg (NM_001289396.2, NM_139045.4); c.2696A>G, p.Gln899Arg (NM_001289397.2); short protein forms Q899R, Q957R.
Identifiers: ClinVar variation 1805227 (VCV001805227.1), dbSNP rs2537347573, ClinGen allele CA372785587.